The following is an entry in ClinVar:

ClinVar aggregate classification (germline): Uncertain significance. Review status: criteria provided, multiple submitters, no conflicts (2 of 4 stars). 2 submissions from 2 submitters: Uncertain significance (2). Last evaluated 2025-12-24.

Conditions:
Cardiovascular phenotype. Identifiers: MedGen CN230736.

Allele frequency attached by ClinVar (database versions not stated): TOPMed below 0.00001; gnomAD 0.00001.
gnomAD v4.1: 8 of 1,605,448 alleles (0.0005%); highest among the groups gnomAD compares: East Asian, 0.0022%; no homozygotes.

Submissions (2):

Women's Health and Genetics/Laboratory Corporation of America, LabCorp
Classification: Uncertain significance. Last evaluated: 2025-12-24. Review status: criteria provided, single submitter. Criteria: LabCorp Variant Classification Summary - May 2015. Collection method: clinical testing. Allele origin: germline.
Comment: Variant summary: TNXB c.10286G>A (p.Arg3429Gln) results in a conservative amino acid change in the encoded protein sequence. Algorithms developed to predict the effect of missense changes on protein structure and function all suggest that this variant is likely to be tolerated. The variant was absent in 242716 control chromosomes. The available data on variant occurrences in the general population are insufficient to allow any conclusion about variant significance. To our knowledge, no occurrence of c.10286G>A in individuals affected with TNXB-related conditions and no experimental evidence demonstrating its impact on protein function have been reported. ClinVar contains an entry for this variant (Variation ID: 1770042). Based on the evidence outlined above, the variant was classified as uncertain significance.

Ambry Genetics
Classification: Uncertain significance for Cardiovascular phenotype. Last evaluated: 2022-07-19. Review status: criteria provided, single submitter. Criteria: Ambry Variant Classification Scheme 2023. Collection method: clinical testing. Allele origin: germline.
Comment: The p.R3429Q variant (also known as c.10286G>A), located in coding exon 29 of the TNXB gene, results from a G to A substitution at nucleotide position 10286. The arginine at codon 3429 is replaced by glutamine, an amino acid with highly similar properties. This amino acid position is conserved. In addition, this alteration is predicted to be tolerated by in silico analysis. Since supporting evidence is limited at this time, the clinical significance of this alteration remains unclear.

NM_001365276.2(TNXB):c.10292G>A (p.Arg3431Gln)

Genes: TNXB (tenascin XB; minus strand), LOC126859654 (P300/CBP strongly-dependent group 1 enhancer GRCh37_chr6:32014364-32015563; plus strand). Cytogenetic location: 6p21.33.
Variant type: single nucleotide variant.
Coding change: c.10292G>A on transcript NM_001365276.2 (MANE Select); coding-DNA position 10292, G replaced by A.
Protein change: p.Arg3431Gln; replaces arginine 3431 with glutamine.
Molecular consequence: missense variant.
Genome position (GRCh38, 1-based): chr6:32,047,766, C>T on the plus strand (G>A on the coding strand, the complement: TNXB is on the minus strand). VCF-style: chr6-32047766-C-T. GRCh37 (hg19) VCF-style: chr6-32015543-C-T.
Other names: c.10286G>A, p.Arg3429Gln (NM_019105.8); short protein forms R3431Q, R3429Q.
Identifiers: ClinVar variation 1770042 (VCV001770042.3), dbSNP rs1367983105, ClinGen allele CA363531111.